The following is an entry in ClinVar:

ClinVar aggregate classification (germline): Uncertain significance (1 of 4 stars; one submission).

Submissions (3):

GeneDx
Classification: Uncertain significance. Last evaluated: 2022-09-16. Review status: criteria provided, single submitter. Criteria: GeneDx Variant Classification Process June 2021. Collection method: clinical testing. Allele origin: germline. Affected: yes.
Comment: Not observed at significant frequency in large population cohorts (gnomAD); In silico analysis supports that this missense variant has a deleterious effect on protein structure/function; Has not been previously published as pathogenic or benign to our knowledge; In-silico analysis is inconclusive as to whether the variant alters gene splicing. In the absence of RNA/functional studies, the actual effect of this sequence change is unknown.; This variant is associated with the following publications: (PMID: 11574484)

Dr. Peter K. Rogan Lab, Western University
No classification provided (evidence only). Condition: Papillary renal cell carcinoma type 1. Review status: no classification provided. Collection method: in vitro. Allele origin: not applicable. Functional consequence: skipped exon, retained intron. Not counted in ClinVar's aggregate classification.

Dr. Peter K. Rogan Lab, Western University
No classification provided (evidence only). Condition: Papillary renal cell carcinoma type 1. Review status: no classification provided. Collection method: in vitro. Allele origin: not applicable. Functional consequence: skipped exon. Not counted in ClinVar's aggregate classification.

NM_000535.7(PMS2):c.163G>T (p.Asp55Tyr)

Gene: PMS2 (PMS1 homolog 2, mismatch repair system component; minus strand). Cytogenetic location: 7p22.1.
Variant type: single nucleotide variant.
Coding change: c.163G>T on transcript NM_000535.7 (MANE Select); coding-DNA position 163, G replaced by T.
Protein change: p.Asp55Tyr; replaces aspartic acid 55 with tyrosine.
Molecular consequence: missense variant. On other transcripts: 5 prime UTR variant (8), non-coding transcript variant (1), intron variant (3).
Genome position (GRCh38, 1-based): chr7:6,005,892, C>A on the plus strand (G>T on the coding strand, the complement: PMS2 is on the minus strand). VCF-style: chr7-6005892-C-A. GRCh37 (hg19) VCF-style: chr7-6045523-C-A.
Other names: NC_000007.13:g.6045523C>A; c.-243G>T (NM_001018040.1, NM_001322003.2, NM_001322005.2 and 11 more transcripts); c.163G>T, p.Asp55Tyr (NM_001322006.2, NM_001322014.2, NM_001406868.1 and 10 more transcripts); c.-53G>T (NM_001322007.2, NM_001406876.1, NM_001406883.1 and 4 more transcripts); c.-722G>T (NM_001322011.2, NM_001322012.2); c.-322G>T (NM_001322015.2, NM_001406875.1, NM_001406877.1 and 2 more transcripts); c.349G>T, p.Asp117Tyr (NM_001406866.1); c.-269G>T (NM_001406880.1); and 5 more; short protein forms D117Y, D55Y.
Identifiers: ClinVar variation 2444783 (VCV002444783.2), dbSNP rs2128843656, ClinGen allele CA366744943.